The following is an entry in ClinVar:

NM_001458.5(FLNC):c.7087G>A (p.Asp2363Asn)

Genes: FLNC (filamin C; plus strand), FLNC-AS1 (FLNC antisense RNA 1; minus strand). Cytogenetic location: 7q32.1.
Variant type: single nucleotide variant.
Coding change: c.7087G>A on transcript NM_001458.5 (MANE Select); coding-DNA position 7087, G replaced by A.
Protein change: p.Asp2363Asn; replaces aspartic acid 2363 with asparagine.
Molecular consequence: missense variant.
Genome position (GRCh38, 1-based): chr7:128,854,864, G>A. VCF-style: chr7-128854864-G-A. GRCh37 (hg19) VCF-style: chr7-128494918-G-A.
Other names: c.6988G>A, p.Asp2330Asn (NM_001127487.2); short protein forms D2330N, D2363N.
Identifiers: ClinVar variation 438581 (VCV000438581.2), dbSNP rs1554401490, ClinGen allele CA369215230.

ClinVar aggregate classification (germline): Uncertain significance (0 of 4 stars; one submission).

Conditions:
Hypertrophic cardiomyopathy 26. Also called: Cardiomyopathy, familial hypertrophic, 26. Identifiers: Orphanet 75249, MedGen C4310749, MONDO:0014883, OMIM 617047.

Submission:

Foundation for Research in Genetics and Endocrinology, FRIGE's Institute of Human Genetics
Classification: Uncertain significance for Hypertrophic cardiomyopathy 26. Last evaluated: 2017-09-10. Review status: no assertion criteria provided. Collection method: clinical testing. Allele origin: germline. Inheritance: Autosomal dominant inheritance. Affected: yes. Observed: 1 variant allele, 1 heterozygote.
Comment: The variant c.6988G>A(p.Gly2330Ser) has minor allele frequency of 0.08% and 0.08% in 1000 Genomes and ExAC databases. The in silico predictions of the variant are probably damaging by PolyPhen-2 and damaging by LRT and MutationTaster2.